The following is an entry in ClinVar:

NM_000426.4(LAMA2):c.3556-15T>G

Gene: LAMA2 (laminin subunit alpha 2; plus strand). Cytogenetic location: 6q22.33.
Variant type: single nucleotide variant.
Coding change: c.3556-15T>G on transcript NM_000426.4 (MANE Select); 15 bases into the intron before coding-DNA position 3556, T replaced by G.
Molecular consequence: intron variant.
Genome position (GRCh38, 1-based): chr6:129,315,461, T>G. VCF-style: chr6-129315461-T-G. GRCh37 (hg19) VCF-style: chr6-129636606-T-G.
Other names: p.?; c.3556-15T>G (NM_001079823.2).
Identifiers: ClinVar variation 92953 (VCV000092953.24), dbSNP rs17741922, ClinGen allele CA146118.

ClinVar aggregate classification (germline): Benign/Likely benign. Review status: criteria provided, multiple submitters, no conflicts (2 of 4 stars). 10 submissions from 10 submitters: Benign (5); Likely benign (3). 2 of the submissions do not count toward it. Last evaluated 2026-02-04.

Conditions:
Congenital muscular dystrophy due to partial LAMA2 deficiency. Identifiers: MedGen C1842898.
LAMA2-related muscular dystrophy (LAMA2-RD). Also called: Laminin alpha 2-related dystrophy. Identifiers: MedGen C5679788, MONDO:0100228.

Allele frequency attached by ClinVar (database versions not stated): TOPMed 0.00335; ESP Exome Variant Server 0.00369; gnomAD 0.00414 and 0.00497; gnomAD exomes 0.00679 and 0.00787; 1000 Genomes Project 30x 0.00718; 1000 Genomes Project 0.00819; ExAC 0.00923.
gnomAD v4.1: 10,640 of 1,613,290 alleles (0.66%); highest among the groups gnomAD compares: South Asian, 2.6%; 103 homozygotes.

Submissions (11):

Labcorp Genetics (formerly Invitae), Labcorp
Classification: Benign for LAMA2-related muscular dystrophy. Last evaluated: 2026-02-04. Review status: criteria provided, single submitter. Criteria: Invitae Variant Classification Sherloc (09022015). Collection method: clinical testing. Allele origin: germline.

Blueprint Genetics
Classification: Likely benign. Last evaluated: 2024-11-26. Review status: criteria provided, single submitter. Criteria: ACMG Guidelines, 2015. Collection method: clinical testing. Allele origin: germline.

Mayo Clinic Laboratories, Mayo Clinic
Classification: Benign. Last evaluated: 2023-10-24. Review status: criteria provided, single submitter. Criteria: ACMG Guidelines, 2015. Collection method: clinical testing. Allele origin: germline. Observed: 19 variant alleles.
Comment: BS1, BS2, BP4, BP7

Illumina Laboratory Services, Illumina
Classification: Benign for Congenital muscular dystrophy due to partial LAMA2 deficiency. Last evaluated: 2018-01-13. Review status: criteria provided, single submitter. Criteria: ICSL Variant Classification Criteria 13 December 2019. Collection method: clinical testing. Allele origin: germline.
Comment: This variant was observed in the ICSL laboratory as part of a predisposition screen in an ostensibly healthy population. It had not been previously curated by ICSL or reported in the Human Gene Mutation Database (HGMD: prior to June 1st, 2018), and was therefore a candidate for classification through an automated scoring system. Utilizing variant allele frequency, disease prevalence and penetrance estimates, and inheritance mode, an automated score was calculated to assess if this variant is too frequent to cause the disease. Based on the score and internal cut-off values, a variant classified as benign is not then subjected to further curation. The score for this variant resulted in a classification of benign for this disease.

GeneDx
Classification: Benign. Last evaluated: 2016-03-14. Review status: criteria provided, single submitter. Criteria: GeneDx Variant Classification (06012015). Collection method: clinical testing. Allele origin: germline. Affected: yes.
Comment: This variant is considered likely benign or benign based on one or more of the following criteria: it is a conservative change, it occurs at a poorly conserved position in the protein, it is predicted to be benign by multiple in silico algorithms, and/or has population frequency not consistent with disease.

Eurofins Ntd Llc (ga)
Classification: Benign. Last evaluated: 2013-06-18. Review status: criteria provided, single submitter. Criteria: EGL Classification Definitions 2015. Collection method: clinical testing. Allele origin: germline. Observed: 2 variant alleles, 2 heterozygotes.

Breakthrough Genomics
Classification: Likely benign. Review status: criteria provided, single submitter. Criteria: ACMG Guidelines, 2015. Collection method: not provided. Allele origin: germline. Inheritance: Autosomal recessive inheritance. Affected: yes.

PreventionGenetics, part of Exact Sciences
Classification: Likely benign. Review status: criteria provided, single submitter. Criteria: ACMG Guidelines, 2015. Collection method: clinical testing. Allele origin: germline.

Dr. Peter K. Rogan Lab, Western University
No classification provided (evidence only). Condition: Familial cancer of breast. Review status: no classification provided. Collection method: in vitro. Allele origin: not applicable. Functional consequence: retained intron. Not counted in ClinVar's aggregate classification.

Joint Genome Diagnostic Labs from Nijmegen and Maastricht, Radboudumc and MUMC+
Classification: Likely benign. Review status: no assertion criteria provided. Collection method: clinical testing. Allele origin: germline. Affected: yes. Study: VKGL Data-share Consensus. Not counted in ClinVar's aggregate classification.

Laboratory of Diagnostic Genome Analysis, Leiden University Medical Center (LUMC)
Classification: Likely benign. Review status: no assertion criteria provided. Collection method: clinical testing. Allele origin: germline. Affected: yes. Study: VKGL Data-share Consensus. Not counted in ClinVar's aggregate classification.